The following is an entry in ClinVar:

ClinVar aggregate classification (germline): Pathogenic. Review status: reviewed by expert panel (3 of 4 stars). 6 submissions from 6 submitters: Pathogenic (1). 5 of the submissions do not count toward it. Last evaluated 2022-07-01.

Conditions:
Maturity-onset diabetes of the young (MODY). Also called: Maturity onset diabetes mellitus in young. Identifiers: Orphanet 552, MedGen C0342276, MONDO:0018911, HP:0004904.
Maturity-onset diabetes of the young type 3. Also called: MODY, type III; MODY type 3. Identifiers: Orphanet 552, MedGen C1838100, MeSH C563933, MONDO:0010894, OMIM 600496. Disease mechanism: loss of function.
Monogenic diabetes. Identifiers: Orphanet 183625, MedGen C3888631, MONDO:0015967.

Allele frequency attached by ClinVar (database versions not stated): gnomAD exomes below 0.00001.
gnomAD v4.1: 1 of 1,613,526 alleles (0.000062%); highest among the groups gnomAD compares: Non-Finnish European, 0.000085%; no homozygotes.

Submissions (6):

ClinGen Monogenic Diabetes Variant Curation Expert Panel
Classification: Pathogenic for Monogenic diabetes. Last evaluated: 2022-07-01. Review status: reviewed by expert panel. Criteria: ClinGen Diabetes ACMG Specifications v1 1. Collection method: curation. Allele origin: germline. Inheritance: Autosomal dominant inheritance.
Comment: The c.1781G>T variant in the HNF1 homeobox A gene, HNF1A, causes an amino acid change of serine to isoleucine at codon 594 (p.(Ser594Ile)) of NM_000545.8. This variant is predicted to be deleterious by computational evidence, with a REVEL score of 0.73, which is greater than the MDEP VCEP threshold of 0.70 (PP3) and is absent from gnomAD v2.1.1 (PM2_Supporting). Additionally, this variant was identified in at least 8 unrelated individuals with non- autoimmune and non-absolute/near-absolute insulin-deficient diabetes (PS4; PMID: 9392505, internal lab contributors). This variant segregated with diabetes, with at least 5 informative meioses in four families with MODY (PP1_Strong; internal lab contributors). Lastly, this variant was identified in at least one individual with a clinical history highly specific for HNF1A-MODY (MODY probability calculator result <50% but antibody-negative and sulfonylurea-sensitive, negative genetic testing for HNF4A) (PP4; PMID: internal lab contributors). In summary, c.1781G>T meets the criteria to be classified as pathogenic for monogenic diabetes. ACMG/AMP criteria applied, as specified by the ClinGen MDEP (specification version 1.0, approved 9/30/21): PP3, PM2_Supporting, PS4, PP1_Strong, PP4.

Dasa
Classification: Pathogenic. Last evaluated: 2026-02-01. Review status: criteria provided, single submitter. Criteria: DASA Assertion Criteria. Collection method: clinical testing. Allele origin: germline. Not counted in ClinVar's aggregate classification.
Comment: NM_000545.8(HNF1A):c.1781G>T (p.Ser594Ile) is a missense variant that results in the substitution of serine with isoleucine. This variant has been reported in individuals with related phenotype (PMID: 9392505). Segregation evidence has been reported in affected families. Multiple computational predictions support a deleterious effect on the gene or gene product. The variant is present at low frequency in population datasets. Based on the available data, this variant is classified as pathogenic.

Women's Health and Genetics/Laboratory Corporation of America, LabCorp
Classification: Pathogenic for Maturity-onset diabetes of the young. Last evaluated: 2025-12-30. Review status: criteria provided, single submitter. Criteria: LabCorp Variant Classification Summary - May 2015. Collection method: clinical testing. Allele origin: germline. Not counted in ClinVar's aggregate classification.
Comment: Variant summary: HNF1A c.1781G>T (p.Ser594Ile) results in a non-conservative amino acid change located in the Hepatocyte nuclear factor 1, alpha isoform C-terminal domain (IPR006898) of the encoded protein sequence. Algorithms developed to predict the effect of missense changes on protein structure and function all suggest that this variant is likely to be disruptive. The variant was absent in 250012 control chromosomes (gnomAD). c.1781G>T has been observed in multiple individuals affected with Maturity Onset Diabetes Of The Young 3 (e.g. Boutin_1997, Ziemssen_2002, Santana_2017, Mirshahi_2022). These data indicate that the variant is likely to be associated with disease. To our knowledge, no experimental evidence demonstrating an impact on protein function has been reported. The following publications have been ascertained in the context of this evaluation (PMID: 11942313, 10333057, 9392505, 28170077, 35472491, 36257325). ClinVar contains an entry for this variant (Variation ID: 1315998). Based on the evidence outlined above, the variant was classified as pathogenic.

Athena Diagnostics
Classification: Likely pathogenic. Last evaluated: 2023-03-22. Review status: criteria provided, single submitter. Criteria: Athena Diagnostics Criteria. Collection method: clinical testing. Allele origin: unknown. Not counted in ClinVar's aggregate classification.
Comment: This variant has been identified in multiple unrelated individuals with clinical features associated with this gene and appears to segregate with disease in multiple families (personal communication related to ClinVar ID: 1315998, Accession: SCV002558822.1). This variant has not been reported in large, multi-ethnic general populations.

Geisinger Clinic, Geisinger Health System
Classification: Pathogenic for Maturity-onset diabetes of the young type 3. Last evaluated: 2022-08-02. Review status: criteria provided, single submitter. Criteria: ACMG Guidelines, 2015. Collection method: research. Allele origin: germline. Inheritance: Autosomal dominant inheritance. Affected: yes. Observed: 1 variant allele. Not counted in ClinVar's aggregate classification.
Comment: PP3, PM2, PS4, PP1_Strong, PP4

GeneDx
Classification: Uncertain significance. Last evaluated: 2021-01-08. Review status: criteria provided, single submitter. Criteria: GeneDx Variant Classification Process June 2021. Collection method: clinical testing. Allele origin: germline. Affected: yes. Not counted in ClinVar's aggregate classification.
Comment: In silico analysis, which includes protein predictors and evolutionary conservation, supports that this variant does not alter protein structure/function; Not observed in large population cohorts (Lek et al., 2016); This variant is associated with the following publications: (PMID: 11942313, 28012402, 9392505, 18003757, 28170077)

Literature cited by the submitters: PubMed 9392505 (cited by 3 submitters); PubMed 11942313 (cited by Women's Health and Genetics/Laboratory Corporation of America, LabCorp); PubMed 10333057 (cited by Women's Health and Genetics/Laboratory Corporation of America, LabCorp); PubMed 28170077 (cited by Women's Health and Genetics/Laboratory Corporation of America, LabCorp and Athena Diagnostics); PubMed 36257325 (cited by 3 submitters); PubMed 35472491 (cited by Women's Health and Genetics/Laboratory Corporation of America, LabCorp); PubMed 28012402 (cited by Athena Diagnostics); PubMed 28410371 (cited by Athena Diagnostics).

NM_000545.8(HNF1A):c.1781G>T (p.Ser594Ile)

Genes: C12orf43 (chromosome 12 open reading frame 43; minus strand), HNF1A (HNF1 homeobox A; plus strand). Cytogenetic location: 12q24.31.
Variant type: single nucleotide variant.
Coding change: c.1781G>T on transcript NM_000545.8 (MANE Select); coding-DNA position 1781, G replaced by T.
Protein change: p.Ser594Ile; replaces serine 594 with isoleucine.
Molecular consequence: missense variant. On other transcripts: 3 prime UTR variant (3).
Genome position (GRCh38, 1-based): chr12:121,001,077, G>T. VCF-style: chr12-121001077-G-T. GRCh37 (hg19) VCF-style: chr12-121438880-G-T.
Other names: NM_000545.8(HNF1A):c.1781G>T; p.Ser594Ile; c.*3076C>A (NM_001286191.2, NM_001286196.2, NM_022895.3); c.1802G>T, p.Ser601Ile (NM_001306179.2); c.1589G>T, p.Ser530Ile (NM_001406915.1); short protein forms S594I, S601I, S530I.
Identifiers: ClinVar variation 1315998 (VCV001315998.15), dbSNP rs2135854451, ClinGen allele CA386940977.